The following is an entry in ClinVar:

NM_004168.4(SDHA):c.*10A>G

Gene: SDHA (succinate dehydrogenase complex flavoprotein subunit A; plus strand). Cytogenetic location: 5p15.33.
Variant type: single nucleotide variant.
Coding change: c.*10A>G on transcript NM_004168.4 (MANE Select); 10 bases downstream of the stop codon, A replaced by G.
Molecular consequence: 3 prime UTR variant.
Genome position (GRCh38, 1-based): chr5:256,430, A>G. VCF-style: chr5-256430-A-G. GRCh37 (hg19) VCF-style: chr5-256545-A-G.
Other names: c.*10A>G (NM_001294332.2, NM_001330758.2).
Identifiers: ClinVar variation 3904657 (VCV003904657.1).
Genomic context (GRCh38, chr5:256,430, plus strand): 5'-TTGAACGAGGCTGACTGTGCCACCGTCCCGCCAGCCATTCGCTCCTACTGATGAGACAAG[A>G]TGTGGTGATGACAGAATCAGCTTTTGTAATTATGTATAATAGCTCATGCATGTGTCCATG-3'

ClinVar aggregate classification (germline): Benign (1 of 4 stars; one submission).

Conditions:
Pheochromocytoma/paraganglioma syndrome 5. Also called: Paragangliomas 5; SDHA-Related Hereditary Paraganglioma-Pheochromocytoma Syndrome. Identifiers: Orphanet 29072, MedGen C3279992, MONDO:0013602, OMIM 614165.

Submission:

Myriad Genetics, Inc.
Classification: Benign for Pheochromocytoma/paraganglioma syndrome 5. Last evaluated: 2025-03-11. Review status: criteria provided, single submitter. Criteria: Myriad Autosomal Dominant, Autosomal Recessive and X-Linked Classification Criteria (2023). Collection method: clinical testing. Allele origin: unknown.
Comment: This variant is considered benign. This variant occurs in the non-coding 3' untranslated region of the gene, and is not expected to impact protein function.